The following is an entry in ClinVar:

ClinVar aggregate classification (germline): Uncertain significance (1 of 4 stars; one submission).

gnomAD v4.1: 3 of 1,613,818 alleles (0.00019%); highest among the groups gnomAD compares: Non-Finnish European, 0.00025%; no homozygotes.

Submission:

GeneDx
Classification: Uncertain significance. Last evaluated: 2019-06-25. Review status: criteria provided, single submitter. Criteria: GeneDx Variant Classification Process June 2021. Collection method: clinical testing. Allele origin: germline. Affected: yes.
Comment: Not observed in large population cohorts (Lek et al., 2016); In silico analysis, which includes protein predictors and evolutionary conservation, supports a deleterious effect; Has not been previously published as pathogenic or benign to our knowledge

NM_020822.3(KCNT1):c.1911C>G (p.Phe637Leu)

Gene: KCNT1 (potassium sodium-activated channel subfamily T member 1; plus strand). Cytogenetic location: 9q34.3.
Variant type: single nucleotide variant.
Coding change: c.1911C>G on transcript NM_020822.3 (MANE Select); coding-DNA position 1911, C replaced by G.
Protein change: p.Phe637Leu; replaces phenylalanine 637 with leucine.
Molecular consequence: missense variant.
Genome position (GRCh38, 1-based): chr9:135,770,998, C>G. VCF-style: chr9-135770998-C-G. GRCh37 (hg19) VCF-style: chr9-138662844-C-G.
Other names: c.1776C>G, p.Phe592Leu (NM_001272003.2); short protein forms F592L, F637L.
Identifiers: ClinVar variation 1306679 (VCV001306679.2), dbSNP rs759819281, ClinGen allele CA375508537.